The following is an entry in ClinVar:

NM_000540.3(RYR1):c.11871T>A (p.Ala3957=)

Gene: RYR1 (ryanodine receptor 1; plus strand). Cytogenetic location: 19q13.2.
Variant type: single nucleotide variant.
Coding change: c.11871T>A on transcript NM_000540.3 (MANE Select); coding-DNA position 11871, T replaced by A.
Protein change: p.Ala3957=; no amino-acid change (alanine 3957 retained).
Molecular consequence: synonymous variant.
Genome position (GRCh38, 1-based): chr19:38,543,624, T>A. VCF-style: chr19-38543624-T-A. GRCh37 (hg19) VCF-style: chr19-39034264-T-A.
Other names: c.11856T>A, p.Ala3952= (NM_001042723.2).
Identifiers: ClinVar variation 3072220 (VCV003072220.1), dbSNP rs781012836, ClinGen allele CA057725.

ClinVar aggregate classification (germline): Likely benign (1 of 4 stars; one submission).

Conditions:
Malignant hyperthermia, susceptibility to, 1 (MHS1). Also called: Anesthesia related hyperthermia; Malignant hyperpyrexia; Fulminating hyperpyrexia; Pharmacogenic myopathy; RYR1-Related Malignant Hyperthermia Susceptibility; Malignant hyperthermia suceptibility 1. Identifiers: Orphanet 423, MedGen C2930980, MONDO:0007783, OMIM 145600.

Allele frequency attached by ClinVar (database versions not stated): ExAC 0.00001; gnomAD exomes 0.00001.
gnomAD v4.1: 3 of 1,614,128 alleles (0.00019%); highest among the groups gnomAD compares: South Asian, 0.0033%; no homozygotes.

Submission:

All of Us Research Program, National Institutes of Health
Classification: Likely benign for Malignant hyperthermia, susceptibility to, 1. Last evaluated: 2023-06-26. Review status: criteria provided, single submitter. Criteria: ACMG Guidelines, 2015. Collection method: clinical testing. Allele origin: germline. Inheritance: Autosomal dominant inheritance. Observed: 1 variant allele, 1 heterozygote.
Comment: This study involves interpretation of variants in research participants for the purpose of population health screening. Participant phenotype was not available at the time of variant classification. Additional details can be found in publication PMID: 35346344, PMCID: PMC8962531